The following is an entry in ClinVar:

NM_000016.6(ACADM):c.245G>A (p.Trp82Ter)

Gene: ACADM (acyl-CoA dehydrogenase medium chain; plus strand). Cytogenetic location: 1p31.1.
Variant type: single nucleotide variant.
Coding change: c.245G>A on transcript NM_000016.6 (MANE Select); coding-DNA position 245, G replaced by A.
Protein change: p.Trp82Ter; replaces tryptophan 82 with a stop codon.
Molecular consequence: nonsense. On other transcripts: 5 prime UTR variant (1).
Genome position (GRCh38, 1-based): chr1:75,732,881, G>A. VCF-style: chr1-75732881-G-A. GRCh37 (hg19) VCF-style: chr1-76198566-G-A.
Other names: c.257G>A, p.Trp86Ter (NM_001127328.3); c.137G>A, p.Trp46Ter (NM_001286042.2); c.245G>A, p.Trp82Ter (NM_001286043.2); c.-141G>A (NM_001286044.2); short protein forms W46*, W82*, W86*.
Identifiers: ClinVar variation 2679839 (VCV002679839.2), dbSNP rs2525574078, ClinGen allele CA340809938.

ClinVar aggregate classification (germline): Pathogenic/Likely pathogenic. Review status: criteria provided, multiple submitters, no conflicts (2 of 4 stars). 2 submissions from 2 submitters: Pathogenic (1); Likely pathogenic (1). Last evaluated 2025-06-30.

Conditions:
Medium-chain acyl-coenzyme A dehydrogenase deficiency (ACADMD). Also called: MCADH DEFICIENCY; CARNITINE DEFICIENCY SECONDARY TO MEDIUM-CHAIN ACYL-CoA DEHYDROGENASE DEFICIENCY; Medium chain acyl-CoA dehydrogenase deficiency; MCADD; MCAD Deficiency; ACADM DEFICIENCY. Identifiers: Orphanet 42, MedGen C0220710, MONDO:0008721, OMIM 201450.

Submissions (2):

Myriad Genetics, Inc.
Classification: Pathogenic for Medium-chain acyl-coenzyme A dehydrogenase deficiency. Last evaluated: 2025-06-30. Review status: criteria provided, single submitter. Criteria: Myriad Autosomal Dominant, Autosomal Recessive and X-Linked Classification Criteria (2023). Collection method: clinical testing. Allele origin: unknown.
Comment: NM_000016.4(ACADM):c.245G>A(W82*) is expected to be pathogenic in the context of medium-chain acyl-CoA dehydrogenase deficiency. This variant is predicted to lead to an abnormal or absent protein product due to the creation of a premature termination codon in ACADM, a gene where loss-of-function variants are known to be pathogenic. Please note: this variant was assessed in the context of healthy population screening.

Baylor Genetics
Classification: Likely pathogenic for Medium-chain acyl-coenzyme A dehydrogenase deficiency. Last evaluated: 2023-08-30. Review status: criteria provided, single submitter. Criteria: ACMG Guidelines, 2015. Collection method: clinical testing. Allele origin: unknown.